The following is an entry in ClinVar:

ClinVar aggregate classification (germline): Benign. Review status: criteria provided, multiple submitters, no conflicts (2 of 4 stars). 3 submissions from 3 submitters: Benign (2). 1 of the submissions does not count toward it. Last evaluated 2026-01-27.

Conditions:
POLR1A-related disorder. Also called: POLR1A-related condition.

Allele frequency attached by ClinVar (database versions not stated): 1000 Genomes Project 30x 0.00937; 1000 Genomes Project 0.01018; TOPMed 0.01363; gnomAD 0.01516 and 0.01521; ESP Exome Variant Server 0.01718; gnomAD exomes 0.01823 and 0.02179; ExAC 0.01903.
gnomAD v4.1: 33,887 of 1,609,370 alleles (2.1%); highest among the groups gnomAD compares: Middle Eastern, 2.7%; 419 homozygotes.

Submissions (3):

Labcorp Genetics (formerly Invitae), Labcorp
Classification: Benign. Last evaluated: 2026-01-27. Review status: criteria provided, single submitter. Criteria: Invitae Variant Classification Sherloc (09022015). Collection method: clinical testing. Allele origin: germline.

Breakthrough Genomics
Classification: Benign. Review status: criteria provided, single submitter. Criteria: ACMG Guidelines, 2015. Collection method: not provided. Allele origin: germline. Inheritance: Autosomal dominant inheritance. Affected: yes.

PreventionGenetics, part of Exact Sciences
Classification: Benign for POLR1A-related condition. Last evaluated: 2019-06-10. Review status: no assertion criteria provided. Collection method: clinical testing. Allele origin: germline. Not counted in ClinVar's aggregate classification.
Comment: This variant is classified as benign based on ACMG/AMP sequence variant interpretation guidelines (Richards et al. 2015 PMID: 25741868, with internal and published modifications).

NM_015425.6(POLR1A):c.2274C>T (p.Ala758=)

Gene: POLR1A (RNA polymerase I subunit A; minus strand). Cytogenetic location: 2p11.2.
Variant type: single nucleotide variant.
Coding change: c.2274C>T on transcript NM_015425.6 (MANE Select); coding-DNA position 2274, C replaced by T.
Protein change: p.Ala758=; no amino-acid change (alanine 758 retained).
Molecular consequence: synonymous variant.
Genome position (GRCh38, 1-based): chr2:86,052,935, G>A on the plus strand (C>T on the coding strand, the complement: POLR1A is on the minus strand). VCF-style: chr2-86052935-G-A. GRCh37 (hg19) VCF-style: chr2-86280058-G-A.
Other names: c.2274C>T (NM_015425.4).
Identifiers: ClinVar variation 1166122 (VCV001166122.12), dbSNP rs35625755, ClinGen allele CA1746113.